The following is an entry in ClinVar:

ClinVar aggregate classification (germline): Likely benign (1 of 4 stars; one submission).

gnomAD v4.1: 788 of 1,601,436 alleles (0.049%); highest among the groups gnomAD compares: Middle Eastern, 0.1%; no homozygotes.

Submission:

CeGaT Center for Human Genetics Tuebingen
Classification: Likely benign. Last evaluated: 2024-10-01. Review status: criteria provided, single submitter. Criteria: CeGaT Center For Human Genetics Tuebingen Variant Classification Criteria Version 2. Collection method: clinical testing. Allele origin: germline. Affected: yes. Observed: 1 variant allele.
Comment: ACO1: BP4, BP7

NM_002197.3(ACO1):c.666T>C (p.Gly222=)

Gene: ACO1 (aconitase 1; plus strand). Cytogenetic location: 9p21.1.
Variant type: single nucleotide variant.
Coding change: c.666T>C on transcript NM_002197.3 (MANE Select); coding-DNA position 666, T replaced by C.
Protein change: p.Gly222=; no amino-acid change (glycine 222 retained).
Molecular consequence: synonymous variant.
Genome position (GRCh38, 1-based): chr9:32,419,045, T>C. VCF-style: chr9-32419045-T-C. GRCh37 (hg19) VCF-style: chr9-32419043-T-C.
Other names: c.666T>C, p.Gly222= (NM_001278352.2, NM_001362840.2).
Identifiers: ClinVar variation 3388109 (VCV003388109.14).
Genomic context (GRCh38, chr9:32,419,045, plus strand): 5'-AGATAGAGTAAGGGGTAATGAAGGCATTCTTCCGGTCATGCCGTTCATTGCAGGTGTCGG[T>C]GGTATTGAAGCAGAAGCTGTCATGCTGGGTCAGCCAATCAGTATGGTGCTTCCTCAGGTG-3'
Protein context (NP_002188.1, residues 212-232): DGLGILGWGV[Gly222=]GIEAEAVMLG